The following is an entry in ClinVar:

ClinVar aggregate classification (germline): Uncertain significance (1 of 4 stars; one submission).

Conditions:
Disseminated atypical mycobacterial infection. Identifiers: MedGen C0694566.

Submission:

Labcorp Genetics (formerly Invitae), Labcorp
Classification: Uncertain significance for Disseminated atypical mycobacterial infection. Last evaluated: 2022-01-27. Review status: criteria provided, single submitter. Criteria: Invitae Variant Classification Sherloc (09022015). Collection method: clinical testing. Allele origin: germline.
Comment: This sequence change replaces serine, which is neutral and polar, with threonine, which is neutral and polar, at codon 351 of the IFNGR1 protein (p.Ser351Thr). This variant is not present in population databases (gnomAD no frequency). This variant has not been reported in the literature in individuals affected with IFNGR1-related conditions. Algorithms developed to predict the effect of missense changes on protein structure and function output the following: SIFT: "Tolerated"; PolyPhen-2: "Benign"; Align-GVGD: "Class C0". The threonine amino acid residue is found in multiple mammalian species, which suggests that this missense change does not adversely affect protein function. In summary, the available evidence is currently insufficient to determine the role of this variant in disease. Therefore, it has been classified as a Variant of Uncertain Significance.

NM_000416.3(IFNGR1):c.1052G>C (p.Ser351Thr)

Gene: IFNGR1 (interferon gamma receptor 1; minus strand). Cytogenetic location: 6q23.3.
Variant type: single nucleotide variant.
Coding change: c.1052G>C on transcript NM_000416.3 (MANE Select); coding-DNA position 1052, G replaced by C.
Protein change: p.Ser351Thr; replaces serine 351 with threonine.
Molecular consequence: missense variant.
Genome position (GRCh38, 1-based): chr6:137,198,449, C>G on the plus strand (G>C on the coding strand, the complement: IFNGR1 is on the minus strand). VCF-style: chr6-137198449-C-G. GRCh37 (hg19) VCF-style: chr6-137519586-C-G.
Other names: c.1022G>C, p.Ser341Thr (NM_001363526.1); c.929G>C, p.Ser310Thr (NM_001363527.1); short protein forms S310T, S351T, S341T.
Identifiers: ClinVar variation 1960819 (VCV001960819.5), dbSNP rs2548228057, ClinGen allele CA365772917.
Genomic context (GRCh38, chr6:137,198,449, plus strand): 5'-AGATGGCTGCCCGGGACCACGTCAGGAATATTTTCTTCAGTAGTCACCACTTCTGTTATA[C>G]TAGAAAGTTCTTCTGTATGTTCCACTTTTCCTGGATTGTCTTCGGTATGCATGCCTGGAA-3'
Protein context (NP_000407.1, residues 341-361): GKVEHTEELS[Ser351Thr]ITEVVTTEEN